The following is an entry in ClinVar:

ClinVar aggregate classification (germline): Pathogenic/Likely pathogenic. Review status: criteria provided, multiple submitters, no conflicts (2 of 4 stars). 3 submissions from 3 submitters: Pathogenic (2); Likely pathogenic (1). Last evaluated 2024-08-09.

Conditions:
Wolfram syndrome 1 (WFS1). Identifiers: Orphanet 3463, MedGen C4551693, MONDO:0009101, OMIM 222300.
Cataract 41 (CTRCT41). Also called: CATARACT 41, CONGENITAL NUCLEAR TYPE. Identifiers: Orphanet 91492, Orphanet 98991, Orphanet 98992, Orphanet 98995, MedGen C3805412, MONDO:0007287, OMIM 116400.
Wolfram-like syndrome. Also called: HEARING LOSS, PROGRESSIVE, WITH OPTIC ATROPHY AND/OR IMPAIRED GLUCOSE REGULATION. Identifiers: Orphanet 411590, MedGen C3280358, MONDO:0013673, OMIM 614296.
Autosomal dominant nonsyndromic hearing loss 6 (LFSNHL). Also called: Autosomal dominant nonsyndromic deafness 6; DEAFNESS, AUTOSOMAL DOMINANT 6; DEAFNESS, AUTOSOMAL DOMINANT 14; DEAFNESS, AUTOSOMAL DOMINANT 38. Identifiers: Orphanet 90635, MedGen C1833021, MONDO:0010963, OMIM 600965.
Type 2 diabetes mellitus. Also called: Type II diabetes mellitus. Identifiers: MedGen C0011860, MeSH D003924, MONDO:0005148, OMIM 125853, HP:0005978.
WFS1-related disorder. Identifiers: MedGen CN379391, MONDO:0700293.

Allele frequency attached by ClinVar (database versions not stated): gnomAD exomes below 0.00001; gnomAD 0.00001; TOPMed 0.00001.
gnomAD v4.1: 7 of 1,612,376 alleles (0.00043%); highest among the groups gnomAD compares: Non-Finnish European, 0.00059%; no homozygotes.

Submissions (3):

Blueprint Genetics
Classification: Pathogenic for WFS1-related disorders. Last evaluated: 2024-08-09. Review status: criteria provided, single submitter. Criteria: ACMG Guidelines, 2015. Collection method: clinical testing. Allele origin: germline. Affected: yes. Observed: 4 variant alleles.

Labcorp Genetics (formerly Invitae), Labcorp
Classification: Pathogenic. Last evaluated: 2024-04-16. Review status: criteria provided, single submitter. Criteria: Invitae Variant Classification Sherloc (09022015). Collection method: clinical testing. Allele origin: germline.
Comment: This sequence change creates a premature translational stop signal (p.Trp540*) in the WFS1 gene. While this is not anticipated to result in nonsense mediated decay, it is expected to disrupt the last 351 amino acid(s) of the WFS1 protein. This variant is present in population databases (no rsID available, gnomAD 0.0009%). This premature translational stop signal has been observed in individual(s) with autosomal recessive Wolfram syndrome (PMID: 21564155, 21602428, 25542043, 31313226). It has also been observed to segregate with disease in related individuals. This variant is also known as W539X. ClinVar contains an entry for this variant (Variation ID: 1456380). This variant disrupts a region of the WFS1 protein in which other variant(s) (p.Pro885Leu) have been determined to be pathogenic (PMID: 10521293, 28432734). This suggests that this is a clinically significant region of the protein, and that variants that disrupt it are likely to be disease-causing. For these reasons, this variant has been classified as Pathogenic.

Fulgent Genetics
Classification: Likely pathogenic for Cataract 41; Type 2 diabetes mellitus; Wolfram syndrome 1; Autosomal dominant nonsyndromic hearing loss 6; Wolfram-like syndrome. Last evaluated: 2022-03-18. Review status: criteria provided, single submitter. Criteria: ACMG Guidelines, 2015. Collection method: clinical testing. Allele origin: unknown.

Literature cited by the submitters: PubMed 21564155 (cited by Labcorp Genetics (formerly Invitae), Labcorp); PubMed 21602428 (cited by Labcorp Genetics (formerly Invitae), Labcorp); PubMed 25542043 (cited by Labcorp Genetics (formerly Invitae), Labcorp); PubMed 31313226 (cited by Labcorp Genetics (formerly Invitae), Labcorp); PubMed 10521293 (cited by Labcorp Genetics (formerly Invitae), Labcorp); PubMed 28432734 (cited by Labcorp Genetics (formerly Invitae), Labcorp).

NM_006005.3(WFS1):c.1619G>A (p.Trp540Ter)

Gene: WFS1 (wolframin ER transmembrane glycoprotein; plus strand). Cytogenetic location: 4p16.1.
Variant type: single nucleotide variant.
Coding change: c.1619G>A on transcript NM_006005.3 (MANE Select); coding-DNA position 1619, G replaced by A.
Protein change: p.Trp540Ter; replaces tryptophan 540 with a stop codon.
Molecular consequence: nonsense.
Genome position (GRCh38, 1-based): chr4:6,301,414, G>A. VCF-style: chr4-6301414-G-A. GRCh37 (hg19) VCF-style: chr4-6303141-G-A.
Other names: c.1619G>A, p.Trp540Ter (NM_001145853.1); short protein forms W540*.
Identifiers: ClinVar variation 1456380 (VCV001456380.10), dbSNP rs1335076773, ClinGen allele CA356176298.
Genomic context (GRCh38, chr4:6,301,414, plus strand): 5'-AGCTGAGGAATTTCAAGGGCACCTACTGCTACCTTGTGCCCTACCTGGTGTGCTTCATGT[G>A]GTGTGAGCTCTCCGTGGTCATCCTGCTGGAGTCCACCGGCCTGGGGCTGCTCCGCGCCTC-3'